The following is an entry in ClinVar:

NM_000535.7(PMS2):c.2118G>A (p.Lys706=)

Gene: PMS2 (PMS1 homolog 2, mismatch repair system component; minus strand). Cytogenetic location: 7p22.1.
Variant type: single nucleotide variant.
Coding change: c.2118G>A on transcript NM_000535.7 (MANE Select); coding-DNA position 2118, G replaced by A.
Protein change: p.Lys706=; no amino-acid change (lysine 706 retained).
Molecular consequence: synonymous variant. On other transcripts: non-coding transcript variant (1).
Genome position (GRCh38, 1-based): chr7:5,982,880, C>T on the plus strand (G>A on the coding strand, the complement: PMS2 is on the minus strand). VCF-style: chr7-5982880-C-T. GRCh37 (hg19) VCF-style: chr7-6022511-C-T.
Other names: c.1713G>A, p.Lys571= (NM_001322003.2, NM_001322004.2, NM_001322005.2 and 1 more transcripts); c.1962G>A, p.Lys654= (NM_001322006.2); c.1800G>A, p.Lys600= (NM_001322007.2, NM_001322008.2); c.1557G>A, p.Lys519= (NM_001322010.2); c.1185G>A, p.Lys395= (NM_001322011.2, NM_001322012.2); c.1545G>A, p.Lys515= (NM_001322013.2); c.2118G>A, p.Lys706= (NM_001322014.2); c.1809G>A, p.Lys603= (NM_001322015.2).
Identifiers: ClinVar variation 1095418 (VCV001095418.10), dbSNP rs776238286, ClinGen allele CA046660.

ClinVar aggregate classification (germline): Benign/Likely benign. Review status: criteria provided, multiple submitters, no conflicts (2 of 4 stars). 2 submissions from 2 submitters: Benign (1); Likely benign (1). Last evaluated 2025-11-20.

Conditions:
Hereditary nonpolyposis colorectal neoplasms. Identifiers: MedGen C0009405, MeSH D003123.
Lynch syndrome 4 (LYNCH4). Also called: Hereditary non-polyposis colorectal cancer, type 4; Colorectal cancer, hereditary nonpolyposis, type 4. Identifiers: Orphanet 144, MedGen C1838333, MONDO:0013699, OMIM 614337. Disease mechanism: loss of function.

Allele frequency attached by ClinVar (database versions not stated): ExAC 0.00001.

Submissions (2):

Labcorp Genetics (formerly Invitae), Labcorp
Classification: Likely benign for Hereditary nonpolyposis colorectal neoplasms. Last evaluated: 2025-11-20. Review status: criteria provided, single submitter. Criteria: Invitae Variant Classification Sherloc (09022015). Collection method: clinical testing. Allele origin: germline.

Myriad Genetics, Inc.
Classification: Benign for Lynch syndrome 4. Last evaluated: 2025-02-03. Review status: criteria provided, single submitter. Criteria: Myriad Autosomal Dominant, Autosomal Recessive and X-Linked Classification Criteria (2023). Collection method: clinical testing. Allele origin: unknown.
Comment: This variant is considered benign. This variant is a silent/synonymous amino acid change and it is not expected to impact splicing.